The following is an entry in ClinVar:

ClinVar aggregate classification (germline): Benign/Likely benign. Review status: criteria provided, multiple submitters, no conflicts (2 of 4 stars). 6 submissions from 6 submitters: Benign (3); Likely benign (2). 1 of the submissions does not count toward it. Last evaluated 2026-01-27.

Conditions:
Congenital myasthenic syndrome 8. Also called: Myasthenic syndrome, congenital, 8, with pre- and postsynaptic defects; MYASTHENIC SYNDROME, CONGENITAL, DUE TO AGRIN DEFICIENCY. Identifiers: Orphanet 590, MedGen C3808739, MONDO:0014052, OMIM 615120.

Allele frequency attached by ClinVar (database versions not stated): ExAC 0.00360; gnomAD 0.01029 and 0.01095; ESP Exome Variant Server 0.01057; 1000 Genomes Project 0.01098; 1000 Genomes Project 30x 0.01109; TOPMed 0.01122.
gnomAD v4.1: 3,160 of 1,610,942 alleles (0.2%); highest among the groups gnomAD compares: African/African-American, 3.6%; 53 homozygotes.

Submissions (6):

Labcorp Genetics (formerly Invitae), Labcorp
Classification: Benign for Congenital myasthenic syndrome 8. Last evaluated: 2026-01-27. Review status: criteria provided, single submitter. Criteria: Invitae Variant Classification Sherloc (09022015). Collection method: clinical testing. Allele origin: germline.

Mayo Clinic Laboratories, Mayo Clinic
Classification: Benign. Last evaluated: 2023-09-27. Review status: criteria provided, single submitter. Criteria: ACMG Guidelines, 2015. Collection method: clinical testing. Allele origin: germline. Observed: 4 variant alleles.
Comment: BS1, BS2, BP4, BP7

GeneDx
Classification: Likely benign. Last evaluated: 2020-12-14. Review status: criteria provided, single submitter. Criteria: GeneDx Variant Classification Process June 2021. Collection method: clinical testing. Allele origin: germline. Affected: yes.

Breakthrough Genomics
Classification: Likely benign. Review status: criteria provided, single submitter. Criteria: ACMG Guidelines, 2015. Collection method: not provided. Allele origin: germline. Inheritance: Autosomal recessive inheritance. Affected: yes.

PreventionGenetics, part of Exact Sciences
Classification: Benign. Review status: criteria provided, single submitter. Criteria: ACMG Guidelines, 2015. Collection method: clinical testing. Allele origin: germline.

Genetic Services Laboratory, University of Chicago
Classification: Likely benign for AllHighlyPenetrant. Review status: no assertion criteria provided. Collection method: clinical testing. Allele origin: germline. Inheritance: Autosomal recessive inheritance. Not counted in ClinVar's aggregate classification.
Comment: Likely benign based on allele frequency in 1000 Genomes Project or ESP global frequency and its presence in a patient with a rare or unrelated disease phenotype. NOT Sanger confirmed.

NM_198576.4(AGRN):c.2406C>T (p.Gly802=)

Gene: AGRN (agrin; plus strand). Cytogenetic location: 1p36.33.
Variant type: single nucleotide variant.
Coding change: c.2406C>T on transcript NM_198576.4 (MANE Select); coding-DNA position 2406, C replaced by T.
Protein change: p.Gly802=; no amino-acid change (glycine 802 retained).
Molecular consequence: synonymous variant.
Genome position (GRCh38, 1-based): chr1:1,045,393, C>T. VCF-style: chr1-1045393-C-T. GRCh37 (hg19) VCF-style: chr1-980773-C-T.
Other names: p.Gly802=; c.2406C>T (LRG_198t1); c.2406C>T, p.Gly802= (NM_001305275.2); c.2091C>T, p.Gly697= (NM_001364727.2).
Identifiers: ClinVar variation 128295 (VCV000128295.21), dbSNP rs75774767, ClinGen allele CA151620.